The following is an entry in ClinVar:

ClinVar aggregate classification (germline): Uncertain significance (1 of 4 stars; one submission).

Submission:

Women's Health and Genetics/Laboratory Corporation of America, LabCorp
Classification: Uncertain significance. Last evaluated: 2025-12-19. Review status: criteria provided, single submitter. Criteria: LabCorp Variant Classification Summary - May 2015. Collection method: clinical testing. Allele origin: germline.
Comment: Variant summary: G6PD c.352T>C (p.Phe118Leu) results in a non-conservative amino acid change in the encoded protein sequence. Algorithms developed to predict the effect of missense changes on protein structure and function all suggest that this variant is likely to be disruptive. The variant was absent in 181975 control chromosomes. The available data on variant occurrences in the general population are insufficient to allow any conclusion about variant significance. To our knowledge, no occurrence of c.352T>C in individuals affected with G6PD-related conditions and no experimental evidence demonstrating its impact on protein function have been reported. No submitters have cited clinical-significance assessments for this variant to ClinVar. Based on the evidence outlined above, the variant was classified as uncertain significance.

NM_001360016.2(G6PD):c.262T>C (p.Phe88Leu)

Gene: G6PD (glucose-6-phosphate dehydrogenase; minus strand). Cytogenetic location: Xq28.
Variant type: single nucleotide variant.
Coding change: c.262T>C on transcript NM_001360016.2 (MANE Select); coding-DNA position 262, T replaced by C.
Protein change: p.Phe88Leu; replaces phenylalanine 88 with leucine.
Molecular consequence: missense variant.
Genome position (GRCh38, 1-based): chrX:154,535,942, A>G on the plus strand (T>C on the coding strand, the complement: G6PD is on the minus strand). VCF-style: chrX-154535942-A-G. GRCh37 (hg19) VCF-style: chrX-153764157-A-G.
Other names: c.352T>C, p.Phe118Leu (NM_000402.4); c.262T>C, p.Phe88Leu (NM_001042351.3); short protein forms F118L, F88L.
Identifiers: ClinVar variation 4688933 (VCV004688933.1).